The following is an entry in ClinVar:

ClinVar aggregate classification (germline): Uncertain significance. Review status: criteria provided, multiple submitters, no conflicts (2 of 4 stars). 2 submissions from 2 submitters: Uncertain significance (2). Last evaluated 2025-02-09.

Conditions:
Inborn genetic diseases. Identifiers: MedGen C0950123, MeSH D030342.
Fanconi anemia complementation group A (FANCA). Also called: FANCA-Related Fanconi Anemia; Fanconi anemia, group A. Identifiers: Orphanet 84, MedGen C3469521, MONDO:0009215, OMIM 227650.

Submissions (2):

Ambry Genetics
Classification: Uncertain significance for Inborn genetic diseases. Last evaluated: 2025-02-09. Review status: criteria provided, single submitter. Criteria: Ambry Variant Classification Scheme 2023. Collection method: clinical testing. Allele origin: germline.
Comment: The p.F348S variant (also known as c.1043T>C), located in coding exon 12 of the FANCA gene, results from a T to C substitution at nucleotide position 1043. The phenylalanine at codon 348 is replaced by serine, an amino acid with highly dissimilar properties. This amino acid position is conserved. In addition, this alteration is predicted to be deleterious by in silico analysis. Based on the available evidence, the clinical significance of this variant remains unclear.

Fulgent Genetics
Classification: Uncertain significance for Fanconi anemia complementation group A. Last evaluated: 2024-02-14. Review status: criteria provided, single submitter. Criteria: ACMG Guidelines, 2015. Collection method: clinical testing. Allele origin: germline.

NM_000135.4(FANCA):c.1043T>C (p.Phe348Ser)

Gene: FANCA (FA complementation group A; minus strand). Cytogenetic location: 16q24.3.
Variant type: single nucleotide variant.
Coding change: c.1043T>C on transcript NM_000135.4 (MANE Select); coding-DNA position 1043, T replaced by C.
Protein change: p.Phe348Ser; replaces phenylalanine 348 with serine.
Molecular consequence: missense variant.
Genome position (GRCh38, 1-based): chr16:89,792,511, A>G on the plus strand (T>C on the coding strand, the complement: FANCA is on the minus strand). VCF-style: chr16-89792511-A-G. GRCh37 (hg19) VCF-style: chr16-89858919-A-G.
Other names: c.1043T>C, p.Phe348Ser (NM_001286167.3); short protein forms F348S.
Identifiers: ClinVar variation 3581556 (VCV003581556.2).